The following is an entry in ClinVar:

ClinVar aggregate classification (germline): Uncertain significance (1 of 4 stars; one submission).

Allele frequency attached by ClinVar (database versions not stated): gnomAD exomes 0.00001 and 0.00004; TOPMed 0.00001; ExAC 0.00002; gnomAD 0.00002; ESP Exome Variant Server 0.00015.
gnomAD v4.1: 60 of 1,613,282 alleles (0.0037%); highest among the groups gnomAD compares: Non-Finnish European, 0.0046%; no homozygotes.

Submission:

GeneDx
Classification: Uncertain significance. Last evaluated: 2021-04-08. Review status: criteria provided, single submitter. Criteria: GeneDx Variant Classification Process June 2021. Collection method: clinical testing. Allele origin: germline. Affected: yes.
Comment: In silico analysis supports that this missense variant has a deleterious effect on protein structure/function; Has not been previously published as pathogenic or benign to our knowledge; In silico analysis, which includes splice predictors and evolutionary conservation, suggests this variant may impact gene splicing. In the absence of RNA/functional studies, the actual effect of this sequence change is unknown.

NM_001256071.3(RNF213):c.8203G>A (p.Gly2735Ser)

Gene: RNF213 (ring finger protein 213; plus strand). Cytogenetic location: 17q25.3.
Variant type: single nucleotide variant.
Coding change: c.8203G>A on transcript NM_001256071.3 (MANE Select); coding-DNA position 8203, G replaced by A.
Protein change: p.Gly2735Ser; replaces glycine 2735 with serine.
Molecular consequence: missense variant.
Genome position (GRCh38, 1-based): chr17:80,346,538, G>A. VCF-style: chr17-80346538-G-A. GRCh37 (hg19) VCF-style: chr17-78320338-G-A.
Other names: short protein forms G2735S.
Identifiers: ClinVar variation 1320355 (VCV001320355.2), dbSNP rs149388081, ClinGen allele CA8820906.